The following is an entry in ClinVar:

NM_003072.5(SMARCA4):c.2002-4G>A

Gene: SMARCA4 (SWI/SNF related BAF chromatin remodeling complex subunit ATPase 4; plus strand). Cytogenetic location: 19p13.2.
Variant type: single nucleotide variant.
Coding change: c.2002-4G>A on transcript NM_003072.5 (MANE Select); 4 bases into the intron before coding-DNA position 2002, G replaced by A.
Molecular consequence: intron variant.
Genome position (GRCh38, 1-based): chr19:11,007,898, G>A. VCF-style: chr19-11007898-G-A. GRCh37 (hg19) VCF-style: chr19-11118574-G-A.
Other names: c.2002-4G>A (NM_001128844.3, NM_001128849.3, NM_001128847.4 and 5 more transcripts).
Identifiers: ClinVar variation 486494 (VCV000486494.19), dbSNP rs746254916, ClinGen allele CA631755772.
Genomic context (GRCh38, chr19:11,007,898, plus strand): 5'-ATGGGAGTCCCGTCCCCCCTCTCTGGGGGATGAACTGAGGTGACATGGGCTTGTCTCTTG[G>A]TAGGAGGAGGAGGAAGAGCAGCCGCAGGCAGCACAGCCTCCCACCCTGCCCGTGGAGGAG-3'

ClinVar aggregate classification (germline): Likely benign. Review status: criteria provided, multiple submitters, no conflicts (2 of 4 stars). 6 submissions from 6 submitters: Likely benign (6). Last evaluated 2026-07-07.

Conditions:
Hereditary cancer-predisposing syndrome. Also called: Tumor predisposition; Neoplastic Syndromes, Hereditary; Hereditary Cancer Syndrome; Hereditary neoplastic syndrome. Identifiers: Orphanet 140162, MedGen C0027672, MeSH D009386, MONDO:0015356.
Rhabdoid tumor predisposition syndrome 2 (RTPS2). Identifiers: Orphanet 231108, Orphanet 69077, MedGen C2750074, MONDO:0013224, OMIM 613325.
Intellectual disability, autosomal dominant 16 (CSS4). Also called: COFFIN-SIRIS SYNDROME 4. Identifiers: Orphanet 1465, MedGen C3553249, MONDO:0013821, OMIM 614609.

Allele frequency attached by ClinVar (database versions not stated): gnomAD exomes below 0.00001; TOPMed 0.00002; gnomAD 0.00001.
gnomAD v4.1: 4 of 1,613,310 alleles (0.00025%); highest among the groups gnomAD compares: Admixed American, 0.005%; no homozygotes.

Submissions (6):

Myriad Genetics, Inc.
Classification: Likely benign for Rhabdoid tumor predisposition syndrome 2. Last evaluated: 2026-07-07. Review status: criteria provided, single submitter. Criteria: Myriad Autosomal Dominant, Autosomal Recessive and X-Linked Classification Criteria (2023). Collection method: clinical testing. Allele origin: unknown.
Comment: This variant is considered likely benign. This variant is intronic and is not expected to impact mRNA splicing.

Ambry Genetics
Classification: Likely benign for Hereditary cancer-predisposing syndrome. Last evaluated: 2026-06-12. Review status: criteria provided, single submitter. Criteria: Ambry Variant Classification Scheme 2023. Collection method: clinical testing. Allele origin: germline.

Labcorp Genetics (formerly Invitae), Labcorp
Classification: Likely benign for Rhabdoid tumor predisposition syndrome 2. Last evaluated: 2025-07-31. Review status: criteria provided, single submitter. Criteria: Invitae Variant Classification Sherloc (09022015). Collection method: clinical testing. Allele origin: germline.

Quest Diagnostics Nichols Institute San Juan Capistrano
Classification: Likely benign. Last evaluated: 2025-07-21. Review status: criteria provided, single submitter. Criteria: Quest Diagnostics criteria. Collection method: clinical testing. Allele origin: unknown.

Genome-Nilou Lab
Classification: Likely benign for Intellectual disability, autosomal dominant 16. Last evaluated: 2021-07-15. Review status: criteria provided, single submitter. Criteria: ACMG Guidelines, 2015. Collection method: clinical testing. Allele origin: germline. Affected: no.

GeneDx
Classification: Likely benign. Last evaluated: 2017-06-07. Review status: criteria provided, single submitter. Criteria: GeneDx Variant Classification (06012015). Collection method: clinical testing. Allele origin: germline. Affected: yes.
Comment: This variant is considered likely benign or benign based on one or more of the following criteria: it is a conservative change, it occurs at a poorly conserved position in the protein, it is predicted to be benign by multiple in silico algorithms, and/or has population frequency not consistent with disease.